The following is an entry in ClinVar:

NM_001163809.2(WDR81):c.2952G>A (p.Thr984=)

Gene: WDR81 (WD repeat domain 81; plus strand). Cytogenetic location: 17p13.3.
Variant type: single nucleotide variant.
Coding change: c.2952G>A on transcript NM_001163809.2 (MANE Select); coding-DNA position 2952, G replaced by A.
Protein change: p.Thr984=; no amino-acid change (threonine 984 retained).
Molecular consequence: synonymous variant. On other transcripts: intron variant (3).
Genome position (GRCh38, 1-based): chr17:1,727,911, G>A. VCF-style: chr17-1727911-G-A. GRCh37 (hg19) VCF-style: chr17-1631205-G-A.
Other names: c.-123-79G>A (NM_152348.4); c.59-2469G>A (NM_001163673.2); c.-14-2469G>A (NM_001163811.2).
Identifiers: ClinVar variation 3344941 (VCV003344941.1).

ClinVar aggregate classification (germline): Likely benign (0 of 4 stars; one submission).

Conditions:
WDR81-related disorder. Also called: WDR81-related condition.

gnomAD v4.1: 10 of 1,550,550 alleles (0.00064%); highest among the groups gnomAD compares: East Asian, 0.0024%; no homozygotes.

Submission:

PreventionGenetics, part of Exact Sciences
Classification: Likely benign for WDR81-related condition. Last evaluated: 2024-05-13. Review status: no assertion criteria provided. Collection method: clinical testing. Allele origin: germline.
Comment: This variant is classified as likely benign based on ACMG/AMP sequence variant interpretation guidelines (Richards et al. 2015 PMID: 25741868, with internal and published modifications).